The following is an entry in ClinVar:

ClinVar aggregate classification (germline): Benign/Likely benign. Review status: criteria provided, multiple submitters, no conflicts (2 of 4 stars). 5 submissions from 5 submitters: Benign (1); Likely benign (4). Last evaluated 2025-03-27.

Conditions:
Hereditary cancer-predisposing syndrome. Also called: Neoplastic Syndromes, Hereditary; Tumor predisposition; Hereditary neoplastic syndrome; Hereditary Cancer Syndrome. Identifiers: Orphanet 140162, MedGen C0027672, MeSH D009386, MONDO:0015356.
Peutz-Jeghers syndrome (PJS). Also called: POLYPOSIS, HAMARTOMATOUS INTESTINAL; POLYPS-AND-SPOTS SYNDROME; Peutz-Jeghers polyposis; Periorificial lentiginosis syndrome. Identifiers: Orphanet 2869, MedGen C0031269, MeSH D010580, MONDO:0008280, OMIM 175200.

Allele frequency attached by ClinVar (database versions not stated): gnomAD exomes below 0.00001; ExAC 0.00001.
gnomAD v4.1: 3 of 1,608,452 alleles (0.00019%); highest among the groups gnomAD compares: Non-Finnish European, 0.000085%; no homozygotes.

Submissions (5):

Myriad Genetics, Inc.
Classification: Benign for Peutz-Jeghers syndrome. Last evaluated: 2025-03-27. Review status: criteria provided, single submitter. Criteria: Myriad Autosomal Dominant, Autosomal Recessive and X-Linked Classification Criteria (2023). Collection method: clinical testing. Allele origin: unknown.
Comment: This variant is considered benign. This variant is a silent/synonymous amino acid change and it is not expected to impact splicing.

All of Us Research Program, National Institutes of Health
Classification: Likely benign for Peutz-Jeghers syndrome. Last evaluated: 2023-12-13. Review status: criteria provided, single submitter. Criteria: ACMG Guidelines, 2015. Collection method: clinical testing. Allele origin: germline. Inheritance: Autosomal dominant inheritance. Observed: 1 variant allele, 1 heterozygote.
Comment: This study involves interpretation of variants in research participants for the purpose of population health screening. Participant phenotype was not available at the time of variant classification. Additional details can be found in publication PMID: 35346344, PMCID: PMC8962531

Labcorp Genetics (formerly Invitae), Labcorp
Classification: Likely benign for Peutz-Jeghers syndrome. Last evaluated: 2023-12-01. Review status: criteria provided, single submitter. Criteria: Invitae Variant Classification Sherloc (09022015). Collection method: clinical testing. Allele origin: germline.

Color Diagnostics, LLC DBA Color Health
Classification: Likely benign for Hereditary cancer-predisposing syndrome. Last evaluated: 2023-11-01. Review status: criteria provided, single submitter. Criteria: ACMG Guidelines, 2015. Collection method: clinical testing. Allele origin: germline.

Ambry Genetics
Classification: Likely benign for Hereditary cancer-predisposing syndrome. Last evaluated: 2021-10-05. Review status: criteria provided, single submitter. Criteria: Ambry Variant Classification Scheme 2023. Collection method: clinical testing. Allele origin: germline.

NM_000455.5(STK11):c.853C>T (p.Leu285=)

Gene: STK11 (serine/threonine kinase 11; plus strand). Cytogenetic location: 19p13.3.
Variant type: single nucleotide variant.
Coding change: c.853C>T on transcript NM_000455.5 (MANE Select); coding-DNA position 853, C replaced by T.
Protein change: p.Leu285=; no amino-acid change (leucine 285 retained).
Molecular consequence: synonymous variant.
Genome position (GRCh38, 1-based): chr19:1,221,331, C>T. VCF-style: chr19-1221331-C-T. GRCh37 (hg19) VCF-style: chr19-1221330-C-T.
Identifiers: ClinVar variation 527849 (VCV000527849.14), dbSNP rs749344634, ClinGen allele CA049163.